The following is an entry in ClinVar:

ClinVar aggregate classification (germline): Likely pathogenic (1 of 4 stars; one submission).

Conditions:
Mucopolysaccharidosis, MPS-II (MPS2). Also called: Hunter Syndrome; IDURONATE 2-SULFATASE DEFICIENCY; Mucopolysaccharidosis Type II; Mucopolysaccharidosis type 2; Attenuated MPS (subtype; formerly known as mild MPS II); Severe MPS II. Identifiers: Orphanet 580, Orphanet 79388, MedGen C0026705, MONDO:0010674, OMIM 309900.

Submission:

Laboratory of Diagnosis and Therapy of Lysosomal Disorders, University of Padova
Classification: Likely pathogenic for Mucopolysaccharidosis, MPS-II. Last evaluated: 2024-06-07. Review status: criteria provided, single submitter. Criteria: ACMG Guidelines, 2015. Collection method: literature only. Allele origin: germline. Affected: yes. Observed: 1 variant allele.
Comment: Located in a mutational hot spot and/or critical functional domain (PM1_Moderate), Absent from controls (or at low frequency) in gnomAD database (PM2_Moderate), Missense change at the same amino acid residue as a pathogenic variant (PM5_Moderate), Missense variant in a gene with a low rate of benign missense variation (PP2_Supporting), Multiple lines of computational evidence support a deleterious effect (PP3_Supporting), Patient’s phenotype or family history highly specific for the disease (PP4_Moderate)

Classification method: ACMG Guidelines [PMID:25741868] with modifications

Literature cited by the submitters: PubMed 27883178.

NM_000202.8(IDS):c.1004A>T (p.His335Leu)

Genes: IDS (iduronate 2-sulfatase; minus strand), LOC106050102 (IDS recombination region; plus strand). Cytogenetic location: Xq28.
Variant type: single nucleotide variant.
Coding change: c.1004A>T on transcript NM_000202.8 (MANE Select); coding-DNA position 1004, A replaced by T.
Protein change: p.His335Leu; replaces histidine 335 with leucine.
Molecular consequence: missense variant. On other transcripts: non-coding transcript variant (1).
Genome position (GRCh38, 1-based): chrX:149,490,316, T>A on the plus strand (A>T on the coding strand, the complement: IDS is on the minus strand). VCF-style: chrX-149490316-T-A. GRCh37 (hg19) VCF-style: chrX-148571847-T-A.
Other names: c.734A>T, p.His245Leu (NM_001166550.4); c.1004A>T, p.His335Leu (NM_006123.5); short protein forms H245L, H335L.
Identifiers: ClinVar variation 3255902 (VCV003255902.2).